The following is an entry in ClinVar:

ClinVar aggregate classification (germline): Likely benign (1 of 4 stars; one submission).

gnomAD v4.1: 2,568 of 1,614,218 alleles (0.16%); highest among the groups gnomAD compares: South Asian, 0.19%; 3 homozygotes.

Submission:

CeGaT Center for Human Genetics Tuebingen
Classification: Likely benign. Last evaluated: 2026-08-01. Review status: criteria provided, single submitter. Criteria: CeGaT Center For Human Genetics Tuebingen Variant Classification Criteria Version 2. Collection method: clinical testing. Allele origin: germline. Affected: yes. Observed: 3 variant alleles.
Comment: SYK: BP4, BP7

NM_003177.7(SYK):c.1863A>T (p.Ala621=)

Gene: SYK (spleen associated tyrosine kinase; plus strand). Cytogenetic location: 9q22.2.
Variant type: single nucleotide variant.
Coding change: c.1863A>T on transcript NM_003177.7 (MANE Select); coding-DNA position 1863, A replaced by T.
Protein change: p.Ala621=; no amino-acid change (alanine 621 retained).
Molecular consequence: synonymous variant.
Genome position (GRCh38, 1-based): chr9:90,895,555, A>T. VCF-style: chr9-90895555-A-T. GRCh37 (hg19) VCF-style: chr9-93657837-A-T.
Other names: c.1794A>T, p.Ala598= (NM_001135052.4, NM_001174168.3); c.1863A>T, p.Ala621= (NM_001174167.3).
Identifiers: ClinVar variation 3770679 (VCV003770679.13).